The following is an entry in ClinVar:

NM_001378778.1(MPDZ):c.4625T>C (p.Ile1542Thr)

Gene: MPDZ (multiple PDZ domain crumbs cell polarity complex component; minus strand). Cytogenetic location: 9p23.
Variant type: single nucleotide variant.
Coding change: c.4625T>C on transcript NM_001378778.1 (MANE Select); coding-DNA position 4625, T replaced by C.
Protein change: p.Ile1542Thr; replaces isoleucine 1542 with threonine.
Molecular consequence: missense variant.
Genome position (GRCh38, 1-based): chr9:13,126,523, A>G on the plus strand (T>C on the coding strand, the complement: MPDZ is on the minus strand). VCF-style: chr9-13126523-A-G. GRCh37 (hg19) VCF-style: chr9-13126522-A-G.
Other names: c.4526T>C, p.Ile1509Thr (NM_001261406.2, NM_001261407.2, NM_001375416.1 and 3 more transcripts); c.4625T>C, p.Ile1542Thr (NM_001330637.2, NM_003829.5); c.4724T>C, p.Ile1575Thr (NM_001375413.1); c.4415T>C, p.Ile1472Thr (NM_001375420.1, NM_001375421.1, NM_001375422.1 and 4 more transcripts); c.4217T>C, p.Ile1406Thr (NM_001375427.1); c.4625T>C (NM_003829.3); short protein forms I1509T, I1542T, I1472T, I1406T, I1575T.
Identifiers: ClinVar variation 1933028 (VCV001933028.6), dbSNP rs564441634, ClinGen allele CA4986632.

ClinVar aggregate classification (germline): Uncertain significance. Review status: criteria provided, multiple submitters, no conflicts (2 of 4 stars). 2 submissions from 2 submitters: Uncertain significance (2). Last evaluated 2025-08-02.

Conditions:
Inborn genetic diseases. Identifiers: MedGen C0950123, MeSH D030342.

Allele frequency attached by ClinVar (database versions not stated): gnomAD 0.00001; TOPMed 0.00001; ExAC 0.00004; 1000 Genomes Project 30x 0.00016; 1000 Genomes Project 0.00020.
gnomAD v4.1: 8 of 1,561,358 alleles (0.00051%); highest among the groups gnomAD compares: African/African-American, 0.0054%; no homozygotes.

Submissions (2):

Ambry Genetics
Classification: Uncertain significance for Inborn genetic diseases. Last evaluated: 2025-08-02. Review status: criteria provided, single submitter. Criteria: Ambry Variant Classification Scheme 2023. Collection method: clinical testing. Allele origin: germline.

Labcorp Genetics (formerly Invitae), Labcorp
Classification: Uncertain significance. Last evaluated: 2022-04-29. Review status: criteria provided, single submitter. Criteria: Invitae Variant Classification Sherloc (09022015). Collection method: clinical testing. Allele origin: germline.
Comment: In summary, the available evidence is currently insufficient to determine the role of this variant in disease. Therefore, it has been classified as a Variant of Uncertain Significance. Algorithms developed to predict the effect of missense changes on protein structure and function are either unavailable or do not agree on the potential impact of this missense change (SIFT: "Deleterious"; PolyPhen-2: "Benign"; Align-GVGD: "Class C25"). This variant has not been reported in the literature in individuals affected with MPDZ-related conditions. This variant is present in population databases (rs564441634, gnomAD 0.02%). This sequence change replaces isoleucine, which is neutral and non-polar, with threonine, which is neutral and polar, at codon 1542 of the MPDZ protein (p.Ile1542Thr).